The following is an entry in ClinVar:

ClinVar aggregate classification (germline): Likely benign. Review status: criteria provided, single submitter (1 of 4 stars). 2 submissions from 2 submitters: Likely benign (1). 1 of the submissions does not count toward it. Last evaluated 2025-07-27.

Conditions:
CREB3L3-related disorder. Also called: CREB3L3-related condition.

Allele frequency attached by ClinVar (database versions not stated): ExAC 0.00005; TOPMed 0.00006; gnomAD 0.00007; ESP Exome Variant Server 0.00008; gnomAD exomes 0.00008; 1000 Genomes Project 30x 0.00016; 1000 Genomes Project 0.00020.
gnomAD v4.1: 126 of 1,613,966 alleles (0.0078%); highest among the groups gnomAD compares: Middle Eastern, 0.016%; no homozygotes.

Submissions (2):

Labcorp Genetics (formerly Invitae), Labcorp
Classification: Likely benign. Last evaluated: 2025-07-27. Review status: criteria provided, single submitter. Criteria: Invitae Variant Classification Sherloc (09022015). Collection method: clinical testing. Allele origin: germline.

PreventionGenetics, part of Exact Sciences
Classification: Likely benign for CREB3L3-related condition. Last evaluated: 2019-03-25. Review status: no assertion criteria provided. Collection method: clinical testing. Allele origin: germline. Not counted in ClinVar's aggregate classification.
Comment: This variant is classified as likely benign based on ACMG/AMP sequence variant interpretation guidelines (Richards et al. 2015 PMID: 25741868, with internal and published modifications).

NM_032607.3(CREB3L3):c.1062G>A (p.Ala354=)

Gene: CREB3L3 (cAMP responsive element binding protein 3 like 3; plus strand). Cytogenetic location: 19p13.3.
Variant type: single nucleotide variant.
Coding change: c.1062G>A on transcript NM_032607.3 (MANE Select); coding-DNA position 1062, G replaced by A.
Protein change: p.Ala354=; no amino-acid change (alanine 354 retained).
Molecular consequence: synonymous variant. On other transcripts: missense variant (1).
Genome position (GRCh38, 1-based): chr19:4,171,469, G>A. VCF-style: chr19-4171469-G-A. GRCh37 (hg19) VCF-style: chr19-4171466-G-A.
Other names: c.955G>A (NM_001271997.1); c.1059G>A, p.Ala353= (NM_001271995.2); c.1056G>A, p.Ala352= (NM_001271996.2); c.955G>A, p.Ala319Thr (NM_001271997.2); short protein forms A319T.
Identifiers: ClinVar variation 2418599 (VCV002418599.9), dbSNP rs201642168, ClinGen allele CA9091586.